The following is an entry in ClinVar:

NM_022455.5(NSD1):c.4436C>T (p.Ala1479Val)

Gene: NSD1 (nuclear receptor binding SET domain protein 1; plus strand). Cytogenetic location: 5q35.3.
Variant type: single nucleotide variant.
Coding change: c.4436C>T on transcript NM_022455.5 (MANE Select); coding-DNA position 4436, C replaced by T.
Protein change: p.Ala1479Val; replaces alanine 1479 with valine.
Molecular consequence: missense variant.
Genome position (GRCh38, 1-based): chr5:177,246,735, C>T. VCF-style: chr5-177246735-C-T. GRCh37 (hg19) VCF-style: chr5-176673736-C-T.
Other names: c.3563C>T, p.Ala1188Val (NM_001365684.2, NM_001409306.1, NM_001409307.1 and 3 more transcripts); c.4436C>T, p.Ala1479Val (NM_001409301.1, NM_001409302.1, NM_001409303.1); c.4016C>T, p.Ala1339Val (NM_001409304.1); c.3683C>T, p.Ala1228Val (NM_001409305.1); short protein forms A1479V, A1210V, A1188V, A1339V, A1228V.
Identifiers: ClinVar variation 1519880 (VCV001519880.6), dbSNP rs1766327804, ClinGen allele CA362348772.

ClinVar aggregate classification (germline): Uncertain significance (1 of 4 stars; one submission).

Allele frequency attached by ClinVar (database versions not stated): gnomAD 0.00001.
gnomAD v4.1: 1 of 1,613,972 alleles (0.000062%); highest among the groups gnomAD compares: Admixed American, 0.0017%; no homozygotes.

Submission:

Labcorp Genetics (formerly Invitae), Labcorp
Classification: Uncertain significance. Last evaluated: 2023-03-06. Review status: criteria provided, single submitter. Criteria: Invitae Variant Classification Sherloc (09022015). Collection method: clinical testing. Allele origin: germline.
Comment: This sequence change replaces alanine, which is neutral and non-polar, with valine, which is neutral and non-polar, at codon 1479 of the NSD1 protein (p.Ala1479Val). This variant is not present in population databases (gnomAD no frequency). This variant has not been reported in the literature in individuals affected with NSD1-related conditions. ClinVar contains an entry for this variant (Variation ID: 1519880). Advanced modeling of protein sequence and biophysical properties (such as structural, functional, and spatial information, amino acid conservation, physicochemical variation, residue mobility, and thermodynamic stability) performed at Invitae indicates that this missense variant is not expected to disrupt NSD1 protein function. In summary, the available evidence is currently insufficient to determine the role of this variant in disease. Therefore, it has been classified as a Variant of Uncertain Significance.